The following is an entry in ClinVar:

ClinVar aggregate classification (germline): Likely benign (1 of 4 stars; one submission).

gnomAD v4.1: 1 of 1,614,130 alleles (0.000062%); no homozygotes.

Submission:

CeGaT Center for Human Genetics Tuebingen
Classification: Likely benign. Last evaluated: 2022-07-01. Review status: criteria provided, single submitter. Criteria: CeGaT Center For Human Genetics Tuebingen Variant Classification Criteria Version 2. Collection method: clinical testing. Allele origin: germline. Affected: yes. Observed: 1 variant allele.
Comment: NOP9: PM2:Supporting, BP4, BP7

NM_174913.3(NOP9):c.1389G>C (p.Gly463=)

Gene: NOP9 (NOP9 nucleolar protein; plus strand). Cytogenetic location: 14q12.
Variant type: single nucleotide variant.
Coding change: c.1389G>C on transcript NM_174913.3 (MANE Select); coding-DNA position 1389, G replaced by C.
Protein change: p.Gly463=; no amino-acid change (glycine 463 retained).
Molecular consequence: synonymous variant.
Genome position (GRCh38, 1-based): chr14:24,303,836, G>C. VCF-style: chr14-24303836-G-C. GRCh37 (hg19) VCF-style: chr14-24773042-G-C.
Other names: c.1389G>C, p.Gly463= (NM_001286367.2).
Identifiers: ClinVar variation 2644135 (VCV002644135.24), dbSNP rs2501992214, ClinGen allele CA485784416.
Genomic context (GRCh38, chr14:24,303,836, plus strand): 5'-GCCTCTCTTTGCCACTTTGATGGCTTATGAGGTGTACTATGGACTGACGGAGGAGGAGGG[G>C]GCAGTGCCTGCAGAGCACCAGGTGAGGTAGGGGAGAGGCCAAGCCAGTGACTAATTGGGA-3'
Protein context (NP_777573.1, residues 453-473): EVYYGLTEEE[Gly463=]AVPAEHQVAM